The following is an entry in ClinVar:

ClinVar aggregate classification (germline): Benign (1 of 4 stars; one submission).

Conditions:
MELAS syndrome (MELAS). Also called: Juvenile myopathy, encephalopathy, lactic acidosis, stroke. Identifiers: Orphanet 550, MedGen C0162671, MONDO:0010789, OMIM 540000.

Submission:

Wong Mito Lab, Molecular and Human Genetics, Baylor College of Medicine
Classification: Benign for MELAS syndrome. Last evaluated: 2019-07-12. Review status: criteria provided, single submitter. Criteria: Modified ACMG Guidelines (Unpublished). Collection method: clinical testing. Allele origin: germline.
Comment: The NC_012920.1:m.8345C>T variant in MT-TK gene is interpreted to be a Benign variant based on the modified ACMG guidelines (unpublished). This variant meets the following evidence codes reported in the guidelines: BS1, BS2, BP4

Literature cited by the submitters: PubMed 31965079.

NC_012920.1(MT-TK):m.8345C>T

Gene: MT-TK (mitochondrially encoded tRNA lysine; plus strand).
Variant type: single nucleotide variant.
Genome position: chrM-8345-C-T.
Identifiers: ClinVar variation 690076 (VCV000690076.1), dbSNP rs1603221413, ClinGen allele CA913179043.